The following is an entry in ClinVar:

ClinVar aggregate classification (germline): Uncertain significance (1 of 4 stars; one submission).

Conditions:
Perlman syndrome (PRLMNS). Identifiers: Orphanet 2849, MedGen C0796113, MONDO:0009965, OMIM 267000.

Allele frequency attached by ClinVar (database versions not stated): TOPMed 0.00002.
gnomAD v4.1: 12 of 1,609,806 alleles (0.00075%); highest among the groups gnomAD compares: East Asian, 0.0045%; no homozygotes.

Submission:

Labcorp Genetics (formerly Invitae), Labcorp
Classification: Uncertain significance for Perlman syndrome. Last evaluated: 2024-11-15. Review status: criteria provided, single submitter. Criteria: Invitae Variant Classification Sherloc (09022015). Collection method: clinical testing. Allele origin: germline.
Comment: This sequence change replaces arginine, which is basic and polar, with glutamine, which is neutral and polar, at codon 859 of the DIS3L2 protein (p.Arg859Gln). This variant is present in population databases (rs570999208, gnomAD 0.003%). This variant has not been reported in the literature in individuals affected with DIS3L2-related conditions. ClinVar contains an entry for this variant (Variation ID: 972428). An algorithm developed to predict the effect of missense changes on protein structure and function (PolyPhen-2) suggests that this variant is likely to be tolerated. In summary, the available evidence is currently insufficient to determine the role of this variant in disease. Therefore, it has been classified as a Variant of Uncertain Significance.

NM_152383.5(DIS3L2):c.2576G>A (p.Arg859Gln)

Gene: DIS3L2 (DIS3 like 3'-5' exoribonuclease 2; plus strand). Cytogenetic location: 2q37.1.
Variant type: single nucleotide variant.
Coding change: c.2576G>A on transcript NM_152383.5 (MANE Select); coding-DNA position 2576, G replaced by A.
Protein change: p.Arg859Gln; replaces arginine 859 with glutamine.
Molecular consequence: missense variant. On other transcripts: non-coding transcript variant (2), intron variant (1).
Genome position (GRCh38, 1-based): chr2:232,336,548, G>A. VCF-style: chr2-232336548-G-A. GRCh37 (hg19) VCF-style: chr2-233201258-G-A.
Other names: c.1582-6797G>A (NM_001257281.2); short protein forms R859Q.
Identifiers: ClinVar variation 972428 (VCV000972428.9), dbSNP rs570999208, ClinGen allele CA2164616.
Genomic context (GRCh38, chr2:232,336,548, plus strand): 5'-TGGTGGAGGTGGTCCTGCAGGCAGAGTCCACAGCCCTCAAGTACAGCGCCATCCTGAAGC[G>A]GCCAGGCACCCAGGGCCACCTGGGCCCTGAGAAGGAGGAGGAGGAGTCTGACGGTGAGCC-3'
Protein context (NP_689596.4, residues 849-869): TALKYSAILK[Arg859Gln]PGTQGHLGPE